The following is an entry in ClinVar:

ClinVar aggregate classification (germline): Uncertain significance. Review status: criteria provided, multiple submitters, no conflicts (2 of 4 stars). 2 submissions from 2 submitters: Uncertain significance (2). Last evaluated 2025-10-18.

Conditions:
Short-rib thoracic dysplasia 8 with or without polydactyly (SRTD8). Also called: SHORT-RIB THORACIC DYSPLASIA 8 WITH POLYDACTYLY. Identifiers: Orphanet 93271, MedGen C3809691, MONDO:0014214, OMIM 615503.
Inborn genetic diseases. Identifiers: MedGen C0950123, MeSH D030342.

Allele frequency attached by ClinVar (database versions not stated): ExAC 0.00002; gnomAD 0.00001; TOPMed 0.00002; gnomAD exomes 0.00002.
gnomAD v4.1: 37 of 1,613,884 alleles (0.0023%); highest among the groups gnomAD compares: East Asian, 0.0045%; no homozygotes.

Submissions (2):

Ambry Genetics
Classification: Uncertain significance for Inborn genetic diseases. Last evaluated: 2025-10-18. Review status: criteria provided, single submitter. Criteria: Ambry Variant Classification Scheme 2023. Collection method: clinical testing. Allele origin: germline.

Labcorp Genetics (formerly Invitae), Labcorp
Classification: Uncertain significance for Short-rib thoracic dysplasia 8 with or without polydactyly. Last evaluated: 2023-07-07. Review status: criteria provided, single submitter. Criteria: Invitae Variant Classification Sherloc (09022015). Collection method: clinical testing. Allele origin: germline.
Comment: This sequence change replaces glutamic acid, which is acidic and polar, with lysine, which is basic and polar, at codon 665 of the WDR60 protein (p.Glu665Lys). This variant is present in population databases (rs764530886, gnomAD 0.004%). This variant has not been reported in the literature in individuals affected with WDR60-related conditions. ClinVar contains an entry for this variant (Variation ID: 1680700). An algorithm developed to predict the effect of missense changes on protein structure and function (PolyPhen-2) suggests that this variant is likely to be tolerated. In summary, the available evidence is currently insufficient to determine the role of this variant in disease. Therefore, it has been classified as a Variant of Uncertain Significance.

NM_018051.5(DYNC2I1):c.1993G>A (p.Glu665Lys)

Gene: DYNC2I1 (dynein 2 intermediate chain 1; plus strand). Cytogenetic location: 7q36.3.
Variant type: single nucleotide variant.
Coding change: c.1993G>A on transcript NM_018051.5 (MANE Select); coding-DNA position 1993, G replaced by A.
Protein change: p.Glu665Lys; replaces glutamic acid 665 with lysine.
Molecular consequence: missense variant.
Genome position (GRCh38, 1-based): chr7:158,922,448, G>A. VCF-style: chr7-158922448-G-A. GRCh37 (hg19) VCF-style: chr7-158715139-G-A.
Other names: c.1855G>A, p.Glu619Lys (NM_001350914.2); c.1420G>A, p.Glu474Lys (NM_001350915.2); c.532G>A, p.Glu178Lys (NM_001350916.2); c.745G>A, p.Glu249Lys (NM_001350917.2, NM_001350918.2); c.1993G>A (NM_018051.4); short protein forms E178K, E249K, E474K, E619K, E665K.
Identifiers: ClinVar variation 1680700 (VCV001680700.7), dbSNP rs764530886, ClinGen allele CA4594841.